The following is an entry in ClinVar:

ClinVar aggregate classification (germline): Uncertain significance (1 of 4 stars; one submission).

Submission:

Ambry Genetics
Classification: Uncertain significance. Last evaluated: 2023-12-15. Review status: criteria provided, single submitter. Criteria: Ambry Variant Classification Scheme 2023. Collection method: clinical testing. Allele origin: germline.
Comment: The p.P154S variant (also known as c.460C>T), located in coding exon 1 of the PALLD gene, results from a C to T substitution at nucleotide position 460. The proline at codon 154 is replaced by serine, an amino acid with similar properties. This amino acid position is conserved. In addition, this alteration is predicted to be tolerated by in silico analysis. Since supporting evidence is limited at this time, the clinical significance of this alteration remains unclear.

NM_001166108.2(PALLD):c.460C>T (p.Pro154Ser)

Gene: PALLD (palladin, cytoskeletal associated protein; plus strand). Cytogenetic location: 4q32.3.
Variant type: single nucleotide variant.
Coding change: c.460C>T on transcript NM_001166108.2 (MANE Select); coding-DNA position 460, C replaced by T.
Protein change: p.Pro154Ser; replaces proline 154 with serine.
Molecular consequence: missense variant.
Genome position (GRCh38, 1-based): chr4:168,511,964, C>T. VCF-style: chr4-168511964-C-T. GRCh37 (hg19) VCF-style: chr4-169433115-C-T.
Other names: c.460C>T, p.Pro154Ser (NM_016081.4); short protein forms P154S.
Identifiers: ClinVar variation 3226817 (VCV003226817.1), dbSNP rs148111638, ClinGen allele CA358726075.